The following is an entry in ClinVar:

ClinVar aggregate classification (germline): Uncertain significance. Review status: criteria provided, multiple submitters, no conflicts (2 of 4 stars). 2 submissions from 2 submitters: Uncertain significance (2). Last evaluated 2024-10-18.

Conditions:
Mitochondrial DNA depletion syndrome 13. Also called: FBXL4-Related Encephalomyopathic Mitochondrial DNA Depletion Syndrome; Mitochondrial DNA depletion syndrome 13 (encephalomyopathic type). Identifiers: Orphanet 369897, MedGen C3809592, MONDO:0014198, OMIM 615471.

Allele frequency attached by ClinVar (database versions not stated): TOPMed 0.00002; gnomAD exomes below 0.00001 and 0.00001; ExAC 0.00002; gnomAD 0.00002.
gnomAD v4.1: 7 of 1,598,040 alleles (0.00044%); highest among the groups gnomAD compares: Admixed American, 0.012%; no homozygotes.

Submissions (2):

Labcorp Genetics (formerly Invitae), Labcorp
Classification: Uncertain significance. Last evaluated: 2024-10-18. Review status: criteria provided, single submitter. Criteria: Invitae Variant Classification Sherloc (09022015). Collection method: clinical testing. Allele origin: germline.
Comment: This sequence change replaces serine, which is neutral and polar, with threonine, which is neutral and polar, at codon 177 of the FBXL4 protein (p.Ser177Thr). This variant is present in population databases (rs753998502, gnomAD 0.007%). This variant has not been reported in the literature in individuals affected with FBXL4-related conditions. ClinVar contains an entry for this variant (Variation ID: 437591). Invitae Evidence Modeling of protein sequence and biophysical properties (such as structural, functional, and spatial information, amino acid conservation, physicochemical variation, residue mobility, and thermodynamic stability) has been performed for this missense variant. However, the output from this modeling did not meet the statistical confidence thresholds required to predict the impact of this variant on FBXL4 protein function. In summary, the available evidence is currently insufficient to determine the role of this variant in disease. Therefore, it has been classified as a Variant of Uncertain Significance.

Wong Mito Lab, Molecular and Human Genetics, Baylor College of Medicine
Classification: Uncertain significance for Mitochondrial DNA depletion syndrome 13. Last evaluated: 2017-08-10. Review status: criteria provided, single submitter. Criteria: ACMG Guidelines, 2015. Collection method: reference population. Allele origin: germline.
Comment: The NM_012160.4:c.529T>A (NP_036292.2:p.Ser177Thr) [GRCH38: NC_000006.12:g.98917703A>T] variant in FBXL4 gene is interpretated to be a Uncertain Significance - Insufficient Evidence based on ACMG guidelines (PMID: 25741868). This variant meets one or more of the following evidence codes reported in the ACMG-guideline. PM2:This variant is absent in key population databases. Based on this evidence code ClinGen Pathogenicity Calculator (PMID:28081714) suggested that the variant is Uncertain Significance - Insufficient Evidence.

NM_001278716.2(FBXL4):c.529T>A (p.Ser177Thr)

Gene: FBXL4 (F-box and leucine rich repeat protein 4; minus strand). Cytogenetic location: 6q16.2.
Variant type: single nucleotide variant.
Coding change: c.529T>A on transcript NM_001278716.2 (MANE Select); coding-DNA position 529, T replaced by A.
Protein change: p.Ser177Thr; replaces serine 177 with threonine.
Molecular consequence: missense variant.
Genome position (GRCh38, 1-based): chr6:98,917,703, A>T on the plus strand (T>A on the coding strand, the complement: FBXL4 is on the minus strand). VCF-style: chr6-98917703-A-T. GRCh37 (hg19) VCF-style: chr6-99365579-A-T.
Other names: c.529T>A, p.Ser177Thr (NM_012160.5); short protein forms S177T.
Identifiers: ClinVar variation 437591 (VCV000437591.6), dbSNP rs753998502, ClinGen allele CA3933663.